The following is an entry in ClinVar:

ClinVar aggregate classification (germline): Uncertain significance. Review status: criteria provided, multiple submitters, no conflicts (2 of 4 stars). 2 submissions from 2 submitters: Uncertain significance (2). Last evaluated 2024-10-01.

Conditions:
Leukoencephalopathy with mild cerebellar ataxia and white matter edema (LKPAT). Also called: CLCN2-Related Leukoencephalopathy; Leukoencephalopathy with ataxia; Leukoencephalopathy with white matter edema; Brain white matter edema. Identifiers: Orphanet 363540, MedGen C4554120, MONDO:0014292, OMIM 615651. Disease mechanism: loss of function.
Epilepsy, idiopathic generalized, susceptibility to, 11 (EIG11). Identifiers: Orphanet 307, MedGen C2750893, MONDO:0011875, OMIM 607628.
Familial hyperaldosteronism type II. Also called: FH II. Identifiers: Orphanet 404, MedGen C1854107, MONDO:0011576, OMIM 605635.

Allele frequency attached by ClinVar (database versions not stated): ExAC 0.00003; TOPMed 0.00003; gnomAD 0.00004; ESP Exome Variant Server 0.00008; gnomAD exomes 0.00008.

Submissions (2):

Labcorp Genetics (formerly Invitae), Labcorp
Classification: Uncertain significance. Last evaluated: 2024-10-01. Review status: criteria provided, single submitter. Criteria: Invitae Variant Classification Sherloc (09022015). Collection method: clinical testing. Allele origin: germline.
Comment: This sequence change replaces isoleucine, which is neutral and non-polar, with threonine, which is neutral and polar, at codon 327 of the CLCN2 protein (p.Ile327Thr). This variant is present in population databases (rs142192594, gnomAD 0.01%). This missense change has been observed in individual(s) with clinical features of CLCN2-related conditions (PMID: 28337550). ClinVar contains an entry for this variant (Variation ID: 2082019). Invitae Evidence Modeling of protein sequence and biophysical properties (such as structural, functional, and spatial information, amino acid conservation, physicochemical variation, residue mobility, and thermodynamic stability) indicates that this missense variant is not expected to disrupt CLCN2 protein function with a negative predictive value of 80%. In summary, the available evidence is currently insufficient to determine the role of this variant in disease. Therefore, it has been classified as a Variant of Uncertain Significance.

Fulgent Genetics
Classification: Uncertain significance for Familial hyperaldosteronism type II; Epilepsy, idiopathic generalized, susceptibility to, 11; Leukoencephalopathy with mild cerebellar ataxia and white matter edema. Last evaluated: 2024-02-13. Review status: criteria provided, single submitter. Criteria: ACMG Guidelines, 2015. Collection method: clinical testing. Allele origin: germline.

Literature cited by the submitters: PubMed 28337550 (cited by Labcorp Genetics (formerly Invitae), Labcorp).

NM_004366.6(CLCN2):c.980T>C (p.Ile327Thr)

Gene: CLCN2 (chloride voltage-gated channel 2; minus strand). Cytogenetic location: 3q27.1.
Variant type: single nucleotide variant.
Coding change: c.980T>C on transcript NM_004366.6 (MANE Select); coding-DNA position 980, T replaced by C.
Protein change: p.Ile327Thr; replaces isoleucine 327 with threonine.
Molecular consequence: missense variant.
Genome position (GRCh38, 1-based): chr3:184,357,185, A>G on the plus strand (T>C on the coding strand, the complement: CLCN2 is on the minus strand). VCF-style: chr3-184357185-A-G. GRCh37 (hg19) VCF-style: chr3-184074973-A-G.
Other names: c.980T>C, p.Ile327Thr (NM_001171087.3, NM_001171089.3); c.848T>C, p.Ile283Thr (NM_001171088.3); short protein forms I283T, I327T.
Identifiers: ClinVar variation 2082019 (VCV002082019.5), dbSNP rs142192594, ClinGen allele CA2734288.